The following is an entry in ClinVar:

NM_001358921.2(COQ2):c.704C>G (p.Pro235Arg)

Gene: COQ2 (coenzyme Q2, polyprenyltransferase; minus strand). Cytogenetic location: 4q21.23.
Variant type: single nucleotide variant.
Coding change: c.704C>G on transcript NM_001358921.2 (MANE Select); coding-DNA position 704, C replaced by G.
Protein change: p.Pro235Arg; replaces proline 235 with arginine.
Molecular consequence: missense variant.
Genome position (GRCh38, 1-based): chr4:83,269,918, G>C on the plus strand (C>G on the coding strand, the complement: COQ2 is on the minus strand). VCF-style: chr4-83269918-G-C. GRCh37 (hg19) VCF-style: chr4-84191071-G-C.
Other names: c.854C>G, p.Pro285Arg (NM_015697.9); short protein forms P285R, P235R.
Identifiers: ClinVar variation 522423 (VCV000522423.6), dbSNP rs1161445886, ClinGen allele CA357229672.

ClinVar aggregate classification (germline): Uncertain significance. Review status: criteria provided, single submitter (1 of 4 stars). 2 submissions from 2 submitters: Uncertain significance (1). 1 of the submissions does not count toward it. Last evaluated 2024-10-14.

Conditions:
Coenzyme Q10 deficiency, primary, 1. Also called: UBIQUINONE DEFICIENCY 1; COENZYME Q DEFICIENCY 1; CoQ DEFICIENCY 1. Identifiers: Orphanet 255249, MedGen C3551954, MONDO:0011829, OMIM 607426.

Allele frequency attached by ClinVar (database versions not stated): gnomAD exomes below 0.00001 and 0.00001; TOPMed below 0.00001.
gnomAD v4.1: 8 of 1,612,608 alleles (0.0005%); highest among the groups gnomAD compares: South Asian, 0.0011%; no homozygotes.

Submissions (2):

Labcorp Genetics (formerly Invitae), Labcorp
Classification: Uncertain significance. Last evaluated: 2024-10-14. Review status: criteria provided, single submitter. Criteria: Invitae Variant Classification Sherloc (09022015). Collection method: clinical testing. Allele origin: germline.
Comment: This sequence change replaces proline, which is neutral and non-polar, with arginine, which is basic and polar, at codon 285 of the COQ2 protein (p.Pro285Arg). This variant is present in population databases (no rsID available, gnomAD 0.0009%). This variant has not been reported in the literature in individuals affected with COQ2-related conditions. ClinVar contains an entry for this variant (Variation ID: 522423). Invitae Evidence Modeling of protein sequence and biophysical properties (such as structural, functional, and spatial information, amino acid conservation, physicochemical variation, residue mobility, and thermodynamic stability) indicates that this missense variant is expected to disrupt COQ2 protein function with a positive predictive value of 80%. In summary, the available evidence is currently insufficient to determine the role of this variant in disease. Therefore, it has been classified as a Variant of Uncertain Significance.

Bioscientia Institut fuer Medizinische Diagnostik GmbH, Sonic Healthcare
Classification: Likely pathogenic for Coenzyme Q10 deficiency, primary, 1. Last evaluated: 2017-09-18. Review status: no assertion criteria provided. Collection method: clinical testing. Allele origin: germline. Affected: yes. Not counted in ClinVar's aggregate classification.